The following is an entry in ClinVar:

NM_000017.4(ACADS):c.625-83G>A

Gene: ACADS (acyl-CoA dehydrogenase short chain; plus strand). Cytogenetic location: 12q24.31.
Variant type: single nucleotide variant.
Coding change: c.625-83G>A on transcript NM_000017.4 (MANE Select); 83 bases into the intron before coding-DNA position 625, G replaced by A.
Molecular consequence: intron variant.
Genome position (GRCh38, 1-based): chr12:120,738,197, G>A. VCF-style: chr12-120738197-G-A. GRCh37 (hg19) VCF-style: chr12-121176000-G-A.
Other names: c.612+9G>A (NM_001302554.2, NM_001302554.1).
Identifiers: ClinVar variation 1207367 (VCV001207367.15), dbSNP rs150191962, ClinGen allele CA6830994.
Genomic context (GRCh38, chr12:120,738,197, plus strand): 5'-CACCTTCCCCAGAAGCCGGCAGAGGGTGTCAAGGCCTGAGCTTCTGAGGGAGGTGGGGAG[G>A]GGACCGGGTTGGTGTTGGGTGTGCTGGTGTGAGGGTGTGGCTGAGGGGCAGCTCTGAGAA-3'

ClinVar aggregate classification (germline): Benign/Likely benign. Review status: criteria provided, multiple submitters, no conflicts (2 of 4 stars). 3 submissions from 3 submitters: Benign (1); Likely benign (1). 1 of the submissions does not count toward it. Last evaluated 2025-04-22.

Conditions:
ACADS-related disorder. Also called: ACADS-related condition.
Deficiency of butyryl-CoA dehydrogenase (ACADSD). Also called: SCAD DEFICIENCY, MILD; ACYL-CoA DEHYDROGENASE, SHORT-CHAIN, DEFICIENCY OF; ACADS DEFICIENCY; Short-Chain Acyl-CoA Dehydrogenase Deficiency; SCADH DEFICIENCY; SCAD Deficiency. Identifiers: Orphanet 26792, MedGen C0342783, MONDO:0008722, OMIM 201470. Disease mechanism: May be benign.

Allele frequency attached by ClinVar (database versions not stated): gnomAD exomes 0.00220; ExAC 0.00344; 1000 Genomes Project 0.00759; 1000 Genomes Project 30x 0.00890; gnomAD 0.00955 and 0.01034; TOPMed 0.01088.
gnomAD v4.1: 2,768 of 1,604,958 alleles (0.17%); highest among the groups gnomAD compares: African/African-American, 3.3%; 47 homozygotes.

Submissions (3):

ARUP Laboratories, Molecular Genetics and Genomics, ARUP Laboratories
Classification: Benign for Deficiency of butyryl-CoA dehydrogenase. Last evaluated: 2025-04-22. Review status: criteria provided, single submitter. Criteria: ARUP Molecular Germline Variant Investigation Process 2024. Collection method: clinical testing. Allele origin: germline.

GeneDx
Classification: Likely benign. Last evaluated: 2018-11-16. Review status: criteria provided, single submitter. Criteria: GeneDx Variant Classification Process June 2021. Collection method: clinical testing. Allele origin: germline. Affected: yes.

PreventionGenetics, part of Exact Sciences
Classification: Benign for ACADS-related condition. Last evaluated: 2019-07-18. Review status: no assertion criteria provided. Collection method: clinical testing. Allele origin: germline. Not counted in ClinVar's aggregate classification.
Comment: This variant is classified as benign based on ACMG/AMP sequence variant interpretation guidelines (Richards et al. 2015 PMID: 25741868, with internal and published modifications).